The following is an entry in ClinVar:

ClinVar aggregate classification (germline): Uncertain significance (1 of 4 stars; one submission).

Conditions:
Spastic paraplegia. Identifiers: MedGen C0037772, HP:0001258.

Submission:

Labcorp Genetics (formerly Invitae), Labcorp
Classification: Uncertain significance for Spastic paraplegia. Last evaluated: 2025-10-20. Review status: criteria provided, single submitter. Criteria: Invitae Variant Classification Sherloc (09022015). Collection method: clinical testing. Allele origin: germline.
Comment: This sequence change replaces proline, which is neutral and non-polar, with serine, which is neutral and polar, at codon 1550 of the KDM5C protein (p.Pro1550Ser). This variant is not present in population databases (gnomAD no frequency). This variant has not been reported in the literature in individuals affected with KDM5C-related conditions. ClinVar contains an entry for this variant (Variation ID: 2974987). Invitae Evidence Modeling of protein sequence and biophysical properties (such as structural, functional, and spatial information, amino acid conservation, physicochemical variation, residue mobility, and thermodynamic stability) indicates that this missense variant is not expected to disrupt KDM5C protein function with a negative predictive value of 95%. In summary, the available evidence is currently insufficient to determine the role of this variant in disease. Therefore, it has been classified as a Variant of Uncertain Significance.

NM_004187.5(KDM5C):c.4648C>T (p.Pro1550Ser)

Gene: KDM5C (lysine demethylase 5C; minus strand). Cytogenetic location: Xp11.22.
Variant type: single nucleotide variant.
Coding change: c.4648C>T on transcript NM_004187.5 (MANE Select); coding-DNA position 4648, C replaced by T.
Protein change: p.Pro1550Ser; replaces proline 1550 with serine.
Molecular consequence: missense variant. On other transcripts: intron variant (5).
Genome position (GRCh38, 1-based): chrX:53,193,002, G>A on the plus strand (C>T on the coding strand, the complement: KDM5C is on the minus strand). VCF-style: chrX-53193002-G-A. GRCh37 (hg19) VCF-style: chrX-53222184-G-A.
Other names: c.4645C>T, p.Pro1549Ser (NM_001282622.3); c.4639C>T, p.Pro1547Ser (NM_001353978.3); c.4305+435C>T (NM_001353982.2); c.4314+435C>T (NM_001353979.2); c.4308+435C>T (NM_001353981.2, NM_001353984.2); c.4047-165C>T (NM_001146702.2); short protein forms P1547S, P1550S, P1549S.
Identifiers: ClinVar variation 2974987 (VCV002974987.3), dbSNP rs1272562986, ClinGen allele CA413101921.